The following is an entry in ClinVar:

ClinVar aggregate classification (germline): Uncertain significance (1 of 4 stars; one submission).

Conditions:
X-linked lymphoproliferative disease due to SH2D1A deficiency (XLP1). Also called: SH2D1A-Related Lymphoproliferative Disease, X-Linked; EBV infection severe susceptibility to; Epstein Barr virus infection familial fatal; Duncan's syndrome; DUNCAN DISEASE; IMMUNODEFICIENCY 5. Identifiers: Orphanet 2442, Orphanet 538931, MedGen C5399825, MONDO:0024551, OMIM 308240.

Submission:

Labcorp Genetics (formerly Invitae), Labcorp
Classification: Uncertain significance for X-linked lymphoproliferative disease due to SH2D1A deficiency. Last evaluated: 2025-07-15. Review status: criteria provided, single submitter. Criteria: Invitae Variant Classification Sherloc (09022015). Collection method: clinical testing. Allele origin: germline.
Comment: This sequence change replaces alanine, which is neutral and non-polar, with valine, which is neutral and non-polar, at codon 66 of the SH2D1A protein (p.Ala66Val). This variant is not present in population databases (gnomAD no frequency). This variant has not been reported in the literature in individuals affected with SH2D1A-related conditions. An algorithm developed to predict the effect of missense changes on protein structure and function (PolyPhen-2) suggests that this variant is likely to be disruptive. In summary, the available evidence is currently insufficient to determine the role of this variant in disease. Therefore, it has been classified as a Variant of Uncertain Significance.

NM_002351.5(SH2D1A):c.197C>T (p.Ala66Val)

Gene: SH2D1A (SH2 domain containing 1A; plus strand). Cytogenetic location: Xq25.
Variant type: single nucleotide variant.
Coding change: c.197C>T on transcript NM_002351.5 (MANE Select); coding-DNA position 197, C replaced by T.
Protein change: p.Ala66Val; replaces alanine 66 with valine.
Molecular consequence: missense variant.
Genome position (GRCh38, 1-based): chrX:124,365,820, C>T. VCF-style: chrX-124365820-C-T. GRCh37 (hg19) VCF-style: chrX-123499670-C-T.
Other names: c.197C>T, p.Ala66Val (NM_001114937.3); short protein forms A66V.
Identifiers: ClinVar variation 4723283 (VCV004723283.1).